The following continues an entry in ClinVar:

NM_007194.4(CHEK2):c.904G>A (p.Glu302Lys)

Gene: CHEK2. ClinVar aggregate classification (germline): Conflicting classifications of pathogenicity. Likely pathogenic (1); Uncertain significance (11).

Submissions 9 to 14 of 14:

Baylor Genetics
Classification: Uncertain significance for Familial cancer of breast. Last evaluated: 2024-03-28. Review status: criteria provided, single submitter. Criteria: ACMG Guidelines, 2015. Collection method: clinical testing. Allele origin: unknown.

St. Jude Molecular Pathology, St. Jude Children's Research Hospital
Classification: Uncertain significance for Predisposition to cancer. Last evaluated: 2022-06-29. Review status: criteria provided, single submitter. Criteria: St. Jude Assertion Criteria 2020. Collection method: clinical testing. Allele origin: germline.
Comment: The CHEK2 c.904G>A (p.Glu302Lys) missense change is absent in gnomAD v2.1.1. The in silico tool REVEL predicts a deleterious effect on protein function, however a yeast-based functional study demonstrates an intermediate impact on CHEK2 protein function (PMID: 30851065). In summary, the evidence currently available is insufficient to determine the role of this variant in cancer predisposition. It has therefore been classified as of uncertain significance.

Division of Medical Genetics, University of Washington
Classification: Uncertain significance for Familial cancer of breast. Last evaluated: 2020-05-05. Review status: criteria provided, single submitter. Criteria: ACMG Guidelines, 2015. Collection method: clinical testing. Allele origin: germline. Affected: yes. Study: CSER_CHARM.
Comment: To our knowledge, this sequence variant has not been previously reported in the literature. This variant is not present in gnomAD database. In silico tools evaluating evolutionary conservation and impact on protein structure and function suggest that this variant may have a deleterious effect; however, there are no functional studies to verify or refute these predictions. At this time, it is unknown at this time whether or not this variant increases cancer risk; therefore, we interpret it as a variant of uncertain significance. PM2; PP3

Mendelics
Classification: Uncertain significance for Familial cancer of breast. Last evaluated: 2018-07-02. Review status: criteria provided, single submitter. Criteria: Mendelics Assertion Criteria 2017. Collection method: clinical testing. Allele origin: unknown.

Counsyl
Classification: Uncertain significance for Familial cancer of breast. Last evaluated: 2017-03-16. Review status: no assertion criteria provided. Collection method: clinical testing. Allele origin: unknown. Not counted in ClinVar's aggregate classification.

Department of Pathology and Laboratory Medicine, Sinai Health System
Classification: Uncertain significance. Review status: no assertion criteria provided. Collection method: clinical testing. Allele origin: unknown. Affected: yes. Study: The Canadian Open Genetics Repository (COGR). Not counted in ClinVar's aggregate classification.
Comment: The CHEK2 p.Glu302Lys variant was identified in 1 of 40,000 chromosomes (frequency: 0.00003) from patient undergoing multigene hereditary cancer panel testing (Mu 2016). The variant was also identified in dbSNP (ID: rs587782460) as â€šÃ„ÃºWith Uncertain significance alleleâ€šÃ„Ã¹ and ClinVar (as uncertain significance by Ambry Genetics, Invitae, GeneDx, and four other submitters). The variant was not identified in the following control databases: the Exome Aggregation Consortium (August 8th 2016) or the Genome Aggregation Database (Feb 27, 2017). A yeast-based assay determined this variant produced a protein that was had intermediate function (Delimitsou 2019). The p.Glu302 residue is conserved in mammals and computational analyses (PolyPhen-2, SIFT, AlignGVGD, BLOSUM, MutationTaster) provide inconsistent predictions regarding the impact to the protein; this information is not very predictive of pathogenicity. The variant occurs outside of the splicing consensus sequence and in silico or computational prediction software programs (SpliceSiteFinder, MaxEntScan, NNSPLICE, GeneSplicer) do not predict a difference in splicing. In summary, based on the above information, the clinical significance of this variant cannot be determined with certainty at this time. This variant is classified as a variant of uncertain significance.

Literature cited by the submitters: PubMed 32658311 (cited by 3 submitters); PubMed 32885271 (cited by 3 submitters); PubMed 35264596 (cited by 3 submitters); PubMed 38061684 (cited by Labcorp Genetics (formerly Invitae), Labcorp and Women's Health and Genetics/Laboratory Corporation of America, LabCorp); PubMed 30851065 (cited by 5 submitters); PubMed 37449874 (cited by 4 submitters); PubMed 33471991 (cited by Ambry Genetics); PubMed 27720647 (cited by 3 submitters); PubMed 35643632 (cited by Women's Health and Genetics/Laboratory Corporation of America, LabCorp and Quest Diagnostics Nichols Institute San Juan Capistrano); PubMed 35534704 (cited by Women's Health and Genetics/Laboratory Corporation of America, LabCorp and Quest Diagnostics Nichols Institute San Juan Capistrano); PubMed 25085752 (cited by Myriad Genetics, Inc.).